The following is an entry in ClinVar:

ClinVar aggregate classification (germline): Uncertain significance. Review status: criteria provided, multiple submitters, no conflicts (2 of 4 stars). 2 submissions from 2 submitters: Uncertain significance (2). Last evaluated 2025-02-26.

Conditions:
EP300-related disorder. Also called: EP300-related condition; EP300-related disorders.
Rubinstein-Taybi syndrome due to EP300 haploinsufficiency. Also called: EP300-Related Rubinstein-Taybi Syndrome; RUBINSTEIN-TAYBI SYNDROME 2. Identifiers: Orphanet 353284, Orphanet 783, MedGen C3150941, MONDO:0013364, OMIM 613684.

Allele frequency attached by ClinVar (database versions not stated): TOPMed below 0.00001; gnomAD 0.00001.

Submissions (2):

Labcorp Genetics (formerly Invitae), Labcorp
Classification: Uncertain significance for Rubinstein-Taybi syndrome due to EP300 haploinsufficiency. Last evaluated: 2025-02-26. Review status: criteria provided, single submitter. Criteria: Invitae Variant Classification Sherloc (09022015). Collection method: clinical testing. Allele origin: germline.
Comment: This sequence change replaces methionine, which is neutral and non-polar, with threonine, which is neutral and polar, at codon 104 of the EP300 protein (p.Met104Thr). This variant is not present in population databases (gnomAD no frequency). This variant has not been reported in the literature in individuals affected with EP300-related conditions. ClinVar contains an entry for this variant (Variation ID: 2634758). Invitae Evidence Modeling of protein sequence and biophysical properties (such as structural, functional, and spatial information, amino acid conservation, physicochemical variation, residue mobility, and thermodynamic stability) indicates that this missense variant is not expected to disrupt EP300 protein function with a negative predictive value of 95%. In summary, the available evidence is currently insufficient to determine the role of this variant in disease. Therefore, it has been classified as a Variant of Uncertain Significance.

PreventionGenetics, part of Exact Sciences
Classification: Uncertain significance for EP300-related condition. Last evaluated: 2023-06-12. Review status: criteria provided, single submitter. Criteria: ACMG Guidelines, 2015. Collection method: clinical testing. Allele origin: germline.
Comment: The EP300 c.311T>C variant is predicted to result in the amino acid substitution p.Met104Thr. To our knowledge, this variant has not been reported in the literature or in a large population database, indicating this variant is rare. At this time, the clinical significance of this variant is uncertain due to the absence of conclusive functional and genetic evidence.

NM_001429.4(EP300):c.311T>C (p.Met104Thr)

Gene: EP300 (EP300 lysine acetyltransferase; plus strand). Cytogenetic location: 22q13.2.
Variant type: single nucleotide variant.
Coding change: c.311T>C on transcript NM_001429.4 (MANE Select); coding-DNA position 311, T replaced by C.
Protein change: p.Met104Thr; replaces methionine 104 with threonine.
Molecular consequence: missense variant.
Genome position (GRCh38, 1-based): chr22:41,117,403, T>C. VCF-style: chr22-41117403-T-C. GRCh37 (hg19) VCF-style: chr22-41513407-T-C.
Other names: c.311T>C, p.Met104Thr (NM_001362843.2); short protein forms M104T.
Identifiers: ClinVar variation 2634758 (VCV002634758.2), dbSNP rs2058827322, ClinGen allele CA411680258.